The following is an entry in ClinVar:

NM_000214.3(JAG1):c.1000G>T (p.Glu334Ter)

Gene: JAG1 (jagged canonical Notch ligand 1; minus strand). Cytogenetic location: 20p12.2.
Variant type: single nucleotide variant.
Coding change: c.1000G>T on transcript NM_000214.3 (MANE Select); coding-DNA position 1000, G replaced by T.
Protein change: p.Glu334Ter; replaces glutamic acid 334 with a stop codon.
Molecular consequence: nonsense.
Genome position (GRCh38, 1-based): chr20:10,652,137, C>A on the plus strand (G>T on the coding strand, the complement: JAG1 is on the minus strand). VCF-style: chr20-10652137-C-A. GRCh37 (hg19) VCF-style: chr20-10632785-C-A.
Other names: short protein forms E334*.
Identifiers: ClinVar variation 4991605 (VCV004991605.1).
Genomic context (GRCh38, chr20:10,652,137, plus strand): 5'-AGCTGAGTACAGAAAAATTAGACAAAGGGCTCTCATTCATCTTGGACCACTTACCAATTT[C>A]ACAGTTGGGTCCTGAATACCCCTCAGGGCAGGAACACTGATATTTGTCAGGGCCTGTGTT-3'

ClinVar aggregate classification (germline): Likely pathogenic (1 of 4 stars; one submission).

Conditions:
JAG1-related disorder. Also called: JAG1-related condition; JAG1-related disorders.

Submission:

PreventionGenetics, part of Exact Sciences
Classification: Likely pathogenic for JAG1-related condition. Last evaluated: 2025-11-17. Review status: criteria provided, single submitter. Criteria: ACMG Guidelines, 2015. Collection method: clinical testing. Allele origin: germline.
Comment: The JAG1 c.1000G>T variant is predicted to result in premature protein termination (p.Glu334*). To our knowledge, this variant has not been reported in the literature or in a large population database (gnomAD), indicating this variant is rare. Nonsense variants in JAG1 are expected to be pathogenic. This variant is interpreted as likely pathogenic.